The following is an entry in ClinVar:

NM_000051.4(ATM):c.8850+7T>A

Genes: ATM (ATM serine/threonine kinase; plus strand), C11orf65 (chromosome 11 open reading frame 65; minus strand). Cytogenetic location: 11q22.3.
Variant type: single nucleotide variant.
Coding change: c.8850+7T>A on transcript NM_000051.4 (MANE Select); 7 bases into the intron after coding-DNA position 8850, T replaced by A.
Molecular consequence: intron variant.
Genome position (GRCh38, 1-based): chr11:108,354,881, T>A. VCF-style: chr11-108354881-T-A. GRCh37 (hg19) VCF-style: chr11-108225608-T-A.
Other names: c.8850+7T>A (NM_001351834.2); c.640+31039A>T (NM_001330368.2); c.695-19589A>T (NM_001351110.2).
Identifiers: ClinVar variation 3655344 (VCV003655344.2).

ClinVar aggregate classification (germline): Uncertain significance (1 of 4 stars; one submission).

Conditions:
Ataxia-telangiectasia syndrome (AT). Also called: Ataxia-telangiectasia, complementation group D; AT, COMPLEMENTATION GROUP C; ATAXIA-TELANGIECTASIA, COMPLEMENTATION GROUP A; ATAXIA-TELANGIECTASIA, FRESNO VARIANT; Ataxia-telangiectasia; Ataxia-telangiectasia, complementation group E. Identifiers: Orphanet 100, MedGen C0004135, MONDO:0008840, OMIM 208900.

Submission:

Labcorp Genetics (formerly Invitae), Labcorp
Classification: Uncertain significance for Ataxia-telangiectasia syndrome. Last evaluated: 2024-06-02. Review status: criteria provided, single submitter. Criteria: Invitae Variant Classification Sherloc (09022015). Collection method: clinical testing. Allele origin: germline.
Comment: This sequence change falls in intron 61 of the ATM gene. It does not directly change the encoded amino acid sequence of the ATM protein. This variant is not present in population databases (gnomAD no frequency). This variant has not been reported in the literature in individuals affected with ATM-related conditions. Algorithms developed to predict the effect of sequence changes on RNA splicing suggest that this variant may disrupt the consensus splice site. In summary, the available evidence is currently insufficient to determine the role of this variant in disease. Therefore, it has been classified as a Variant of Uncertain Significance.